The following is an entry in ClinVar:

NM_000038.6(APC):c.933+5C>G

Gene: APC (APC regulator of Wnt signaling pathway; plus strand). Cytogenetic location: 5q22.2.
Variant type: single nucleotide variant.
Coding change: c.933+5C>G on transcript NM_000038.6 (MANE Select); 5 bases into the intron after coding-DNA position 933, C replaced by G.
Molecular consequence: intron variant.
Genome position (GRCh38, 1-based): chr5:112,815,598, C>G. VCF-style: chr5-112815598-C-G. GRCh37 (hg19) VCF-style: chr5-112151295-C-G.
Other names: c.933+5C>G (NM_001354895.2, NM_001127510.3, NM_001354896.2 and 1 more transcripts); c.963+5C>G (NM_001354897.2, NM_001354902.2); c.879+5C>G (NM_001127511.3); c.858+5C>G (NM_001354898.2, NM_001354904.2); c.84+5C>G (NM_001354906.2); c.849+5C>G (NM_001354899.2); c.756+5C>G (NM_001354900.2, NM_001354901.2, NM_001354905.2).
Identifiers: ClinVar variation 664653 (VCV000664653.14), dbSNP rs573528468, ClinGen allele CA915943470.

ClinVar aggregate classification (germline): Conflicting classifications of pathogenicity. Review status: criteria provided, conflicting classifications (1 of 4 stars). 3 submissions from 3 submitters: Uncertain significance (1); Likely benign (2). Last evaluated 2024-02-29.

Conditions:
Hereditary cancer-predisposing syndrome. Also called: Tumor predisposition; Hereditary neoplastic syndrome; Neoplastic Syndromes, Hereditary; Hereditary Cancer Syndrome. Identifiers: Orphanet 140162, MedGen C0027672, MeSH D009386, MONDO:0015356.
Familial adenomatous polyposis 1 (FAP1). Also called: POLYPOSIS, ADENOMATOUS INTESTINAL; FAMILIAL ADENOMATOUS POLYPOSIS 1, ATTENUATED. Identifiers: MedGen C2713442, MONDO:0021056, OMIM 175100. Disease mechanism: loss of function.

Submissions (3):

Myriad Genetics, Inc.
Classification: Likely benign for Familial adenomatous polyposis 1. Last evaluated: 2024-02-29. Review status: criteria provided, single submitter. Criteria: Myriad Autosomal Dominant, Autosomal Recessive and X-Linked Classification Criteria (2023). Collection method: clinical testing. Allele origin: unknown.
Comment: This variant is considered likely benign. This variant is intronic and is not expected to impact mRNA splicing.

Labcorp Genetics (formerly Invitae), Labcorp
Classification: Likely benign for Familial adenomatous polyposis 1. Last evaluated: 2023-10-07. Review status: criteria provided, single submitter. Criteria: Invitae Variant Classification Sherloc (09022015). Collection method: clinical testing. Allele origin: germline.

Ambry Genetics
Classification: Uncertain significance for Hereditary cancer-predisposing syndrome. Last evaluated: 2022-02-15. Review status: criteria provided, single submitter. Criteria: Ambry Variant Classification Scheme 2023. Collection method: clinical testing. Allele origin: germline.
Comment: The c.933+5C>G intronic variant results from a C to G substitution 5 nucleotides after coding exon 8 in the APC gene. This nucleotide position is well conserved in available vertebrate species. In silico splice site analysis predicts that this alteration will not have any significant effect on splicing; however, direct evidence is insufficient at this time (Ambry internal data). Since supporting evidence is limited at this time, the clinical significance of this alteration remains unclear.